The following is an entry in ClinVar:

NM_002615.7(SERPINF1):c.439+209T>C

Gene: SERPINF1 (serpin family F member 1; plus strand). Cytogenetic location: 17p13.3.
Variant type: single nucleotide variant.
Coding change: c.439+209T>C on transcript NM_002615.7 (MANE Select); 209 bases into the intron after coding-DNA position 439, T replaced by C.
Molecular consequence: intron variant.
Genome position (GRCh38, 1-based): chr17:1,771,393, T>C. VCF-style: chr17-1771393-T-C. GRCh37 (hg19) VCF-style: chr17-1674687-T-C.
Other names: c.-123+209T>C (NM_001329904.2); c.439+209T>C (NM_001329903.2).
Identifiers: ClinVar variation 667594 (VCV000667594.1), dbSNP rs4511575, ClinGen allele CA14415000.

ClinVar aggregate classification (germline): Benign (1 of 4 stars; one submission).

Allele frequency attached by ClinVar (database versions not stated): 1000 Genomes Project 30x 0.61337; 1000 Genomes Project 0.61841; TOPMed 0.62441; gnomAD 0.63106 and 0.63405.

Submission:

GeneDx
Classification: Benign. Last evaluated: 2018-06-19. Review status: criteria provided, single submitter. Criteria: GeneDx Variant Classification (06012015). Collection method: clinical testing. Allele origin: germline. Affected: yes.
Comment: This variant is considered likely benign or benign based on one or more of the following criteria: it is a conservative change, it occurs at a poorly conserved position in the protein, it is predicted to be benign by multiple in silico algorithms, and/or has population frequency not consistent with disease.